The following is an entry in ClinVar:

NM_152743.4(BRAT1):c.43G>A (p.Val15Ile)

Gene: BRAT1 (BRCA1 associated ATM activator 1; minus strand). Cytogenetic location: 7p22.3.
Variant type: single nucleotide variant.
Coding change: c.43G>A on transcript NM_152743.4 (MANE Select); coding-DNA position 43, G replaced by A.
Protein change: p.Val15Ile; replaces valine 15 with isoleucine.
Molecular consequence: missense variant. On other transcripts: 5 prime UTR variant (1), non-coding transcript variant (1).
Genome position (GRCh38, 1-based): chr7:2,554,389, C>T on the plus strand (G>A on the coding strand, the complement: BRAT1 is on the minus strand). VCF-style: chr7-2554389-C-T. GRCh37 (hg19) VCF-style: chr7-2594023-C-T.
Other names: c.43G>A, p.Val15Ile (NM_001350626.2); c.-335G>A (NM_001350627.2); short protein forms V15I.
Identifiers: ClinVar variation 1394618 (VCV001394618.4), dbSNP rs1255001252, ClinGen allele CA366633573.

ClinVar aggregate classification (germline): Uncertain significance (1 of 4 stars; one submission).

Conditions:
Neonatal-onset encephalopathy with rigidity and seizures. Also called: Lethal neonatal spasticity-epileptic encephalopathy syndrome. Identifiers: Orphanet 435845, MedGen C3281029, MONDO:0013784, OMIM 614498.

Allele frequency attached by ClinVar (database versions not stated): TOPMed below 0.00001.
gnomAD v4.1: 4 of 1,614,044 alleles (0.00025%); highest among the groups gnomAD compares: South Asian, 0.0033%; no homozygotes.

Submission:

Labcorp Genetics (formerly Invitae), Labcorp
Classification: Uncertain significance for Neonatal-onset encephalopathy with rigidity and seizures. Last evaluated: 2021-12-02. Review status: criteria provided, single submitter. Criteria: Invitae Variant Classification Sherloc (09022015). Collection method: clinical testing. Allele origin: germline.
Comment: This sequence change replaces valine, which is neutral and non-polar, with isoleucine, which is neutral and non-polar, at codon 15 of the BRAT1 protein (p.Val15Ile). In summary, the available evidence is currently insufficient to determine the role of this variant in disease. Therefore, it has been classified as a Variant of Uncertain Significance. Algorithms developed to predict the effect of missense changes on protein structure and function are either unavailable or do not agree on the potential impact of this missense change (SIFT: "Tolerated"; PolyPhen-2: "Possibly Damaging"; Align-GVGD: "Class C0"). This variant has not been reported in the literature in individuals affected with BRAT1-related conditions. This variant is present in population databases (no rsID available, gnomAD 0.003%).